The following is an entry in ClinVar:

ClinVar aggregate classification (germline): Likely pathogenic (1 of 4 stars; one submission).

Allele frequency attached by ClinVar (database versions not stated): gnomAD exomes below 0.00001.
gnomAD v4.1: 2 of 1,614,006 alleles (0.00012%); no homozygotes.

Submission:

GeneDx
Classification: Likely pathogenic. Last evaluated: 2019-02-01. Review status: criteria provided, single submitter. Criteria: GeneDx Variant Classification (06012015). Collection method: clinical testing. Allele origin: germline. Affected: yes.
Comment: The Q570X variant in the COL9A1 gene has not been reported previously as a pathogenic variant nor as a benign variant, to our knowledge. This variant is predicted to cause loss of normal protein function either through protein truncation or nonsense-mediated mRNA decay. The Q570X variant is not observed in large population cohorts (Lek et al., 2016). We interpret Q570X as a likely pathogenic variant.

NM_001851.6(COL9A1):c.1708C>T (p.Gln570Ter)

Gene: COL9A1 (collagen type IX alpha 1 chain; minus strand). Cytogenetic location: 6q13.
Variant type: single nucleotide variant.
Coding change: c.1708C>T on transcript NM_001851.6 (MANE Select); coding-DNA position 1708, C replaced by T.
Protein change: p.Gln570Ter; replaces glutamine 570 with a stop codon.
Molecular consequence: nonsense. On other transcripts: non-coding transcript variant (1).
Genome position (GRCh38, 1-based): chr6:70,254,487, G>A on the plus strand (C>T on the coding strand, the complement: COL9A1 is on the minus strand). VCF-style: chr6-70254487-G-A. GRCh37 (hg19) VCF-style: chr6-70964190-G-A.
Other names: c.1009C>T, p.Gln337Ter (NM_001377289.1); c.979C>T, p.Gln327Ter (NM_001377290.1, NM_078485.4); short protein forms Q570*, Q327*, Q337*.
Identifiers: ClinVar variation 620574 (VCV000620574.1), dbSNP rs1562305261, ClinGen allele CA364677570.